The following is an entry in ClinVar:

NM_000257.4(MYH7):c.2683C>A (p.Gln895Lys)

Gene: MYH7 (myosin heavy chain 7; minus strand). Cytogenetic location: 14q11.2.
Variant type: single nucleotide variant.
Coding change: c.2683C>A on transcript NM_000257.4 (MANE Select); coding-DNA position 2683, C replaced by A.
Protein change: p.Gln895Lys; replaces glutamine 895 with lysine.
Molecular consequence: missense variant.
Genome position (GRCh38, 1-based): chr14:23,424,146, G>T on the plus strand (C>A on the coding strand, the complement: MYH7 is on the minus strand). VCF-style: chr14-23424146-G-T. GRCh37 (hg19) VCF-style: chr14-23893355-G-T.
Other names: p.Q895K:CAA>AAA; short protein forms Q895K.
Identifiers: ClinVar variation 181376 (VCV000181376.14), dbSNP rs397516162, ClinGen allele CA012840.
Genomic context (GRCh38, chr14:23,424,146, plus strand): 5'-GCTGAATCTTGTTTTTGATCAGCTGATCACAGCGCTCCTCAGCATCTGCCAGGTTGTCTT[G>T]TTCCTGAAGGTGAGGAACAGAGGGGAGGCTGTTCAGGGGGTAAGGTCCTCATTCTTGCAG-3'
Protein context (NP_000248.2, residues 885-905): NDLQLQVQAE[Gln895Lys]DNLADAEERC

ClinVar aggregate classification (germline): Uncertain significance. Review status: criteria provided, multiple submitters, no conflicts (2 of 4 stars). 5 submissions from 5 submitters: Uncertain significance (5). Last evaluated 2024-12-02.

Conditions:
Cardiovascular phenotype. Identifiers: MedGen CN230736.
Hypertrophic cardiomyopathy. Also called: HYPERTROPHIC MYOCARDIOPATHY. Identifiers: Orphanet 217569, MedGen C0007194, MeSH D002312, MONDO:0005045, HP:0001639.

Allele frequency attached by ClinVar (database versions not stated): gnomAD exomes below 0.00001.
gnomAD v4.1: 1 of 1,614,136 alleles (0.000062%); highest among the groups gnomAD compares: Non-Finnish European, 0.000085%; no homozygotes.

Submissions (5):

Labcorp Genetics (formerly Invitae), Labcorp
Classification: Uncertain significance for Hypertrophic cardiomyopathy. Last evaluated: 2024-12-02. Review status: criteria provided, single submitter. Criteria: Invitae Variant Classification Sherloc (09022015). Collection method: clinical testing. Allele origin: germline.
Comment: This sequence change replaces glutamine, which is neutral and polar, with lysine, which is basic and polar, at codon 895 of the MYH7 protein (p.Gln895Lys). This variant is not present in population databases (gnomAD no frequency). This missense change has been observed in individual(s) with hypertrophic cardiomyopathy (PMID: 27532257, 37652022). ClinVar contains an entry for this variant (Variation ID: 181376). Invitae Evidence Modeling of protein sequence and biophysical properties (such as structural, functional, and spatial information, amino acid conservation, physicochemical variation, residue mobility, and thermodynamic stability) indicates that this missense variant is expected to disrupt MYH7 protein function with a positive predictive value of 95%. This variant is found within a region of MYH7 between codons 181 and 937 that contains the majority of the myosin head domain. Missense variants in this region have been shown to be significantly overrepresented in individuals with hypertrophic cardiomyopathy (PMID: 27532257). In summary, the available evidence is currently insufficient to determine the role of this variant in disease. Therefore, it has been classified as a Variant of Uncertain Significance.

Ambry Genetics
Classification: Uncertain significance for Cardiovascular phenotype. Last evaluated: 2024-04-04. Review status: criteria provided, single submitter. Criteria: Ambry Variant Classification Scheme 2023. Collection method: clinical testing. Allele origin: germline.
Comment: The p.Q895K variant (also known as c.2683C>A), located in coding exon 21 of the MYH7 gene, results from a C to A substitution at nucleotide position 2683. The glutamine at codon 895 is replaced by lysine, an amino acid with similar properties. This alteration is located in the myosin head domain, which contains a statistically significant clustering of pathogenic missense variants (Homburger JR et al. Proc Natl Acad Sci U S A, 2016 06;113:6701-6; Walsh R et al. Genet Med, 2017 02;19:192-203; Ambry internal data). This alteration has been reported in a hypertrophic cardiomyopathy (HCM) cohort (Walsh R et al. Genet Med, 2017 Feb;19:192-203). This amino acid position is well conserved in available vertebrate species. In addition, the in silico prediction for this alteration is inconclusive. Based on the available evidence, the clinical significance of this alteration remains unclear.

Blueprint Genetics
Classification: Uncertain significance. Last evaluated: 2024-03-07. Review status: criteria provided, single submitter. Criteria: ACMG Guidelines, 2015. Collection method: clinical testing. Allele origin: germline.

Cambridge Genomics Laboratory, East Genomic Laboratory Hub, NHS Genomic Medicine Service
Classification: Uncertain significance for Hypertrophic cardiomyopathy. Last evaluated: 2019-11-29. Review status: criteria provided, single submitter. Criteria: ACGS Best Practice Guidelines for Variant Classification in Rare Disease 2020. Collection method: clinical testing. Allele origin: germline. Affected: yes. Observed: 1 variant allele.

GeneDx
Classification: Uncertain significance. Last evaluated: 2017-01-05. Review status: criteria provided, single submitter. Criteria: GeneDx Variant Classification (06012015). Collection method: clinical testing. Allele origin: germline. Affected: yes.
Comment: This missense change is denoted p.Glu895Lys (E895K) at the protein level and c.2683 C>A at the cDNA level. The Gln895Lys variant in the MYH7 gene has not been reported previously as a disease-causing mutation nor as a benign polymorphism, to our knowledge. Gln895Lys results in a semi-conservative amino acid substitution of a neutral, polar Glutamine with a positively charged Lysine at a residue that is conserved across species. Mutations in nearby codons (Glu894Gly, Ala901Gly, Ala901Pro) have been reported in association with HCM, supporting the functional importance of this region of the protein. The NHLBI ESP Exome Variant Server reports Gln895Lys was not observed in approximately 5,000 samples from individuals of European and African American backgrounds, indicating it is not a common benign variant in these populations. In summary, while the Gln895Lys variant is a good candidate for a disease-causing mutation, we cannot unequivocally determine whether Gln895Lys is a pathogenic mutation or a benign variant. The variant is found in HCM panel(s).

Literature cited by the submitters: PubMed 27532257 (cited by Labcorp Genetics (formerly Invitae), Labcorp and Ambry Genetics); PubMed 37652022 (cited by Labcorp Genetics (formerly Invitae), Labcorp).